The following is an entry in ClinVar:

ClinVar aggregate classification (germline): Likely benign. Review status: criteria provided, multiple submitters, no conflicts (2 of 4 stars). 3 submissions from 3 submitters: Likely benign (3). Last evaluated 2026-07-01.

gnomAD v4.1: 1,476 of 1,569,748 alleles (0.094%); highest among the groups gnomAD compares: Non-Finnish European, 0.11%; 3 homozygotes.

Submissions (3):

CeGaT Center for Human Genetics Tuebingen
Classification: Likely benign. Last evaluated: 2026-07-01. Review status: criteria provided, single submitter. Criteria: CeGaT Center For Human Genetics Tuebingen Variant Classification Criteria Version 2. Collection method: clinical testing. Allele origin: germline. Affected: yes. Observed: 4 variant alleles.
Comment: SMPD4: BP4, BP7

Laboratory of Genetics, Children's Clinical University Hospital Latvia
Classification: Likely benign. Last evaluated: 2025-02-16. Review status: criteria provided, single submitter. Criteria: ACMG Guidelines, 2015. Collection method: clinical testing. Allele origin: germline. Affected: yes.

Blueprint Genetics
Classification: Likely benign. Last evaluated: 2024-11-25. Review status: criteria provided, single submitter. Criteria: ACMG Guidelines, 2015. Collection method: clinical testing. Allele origin: germline.

NM_017951.5(SMPD4):c.2364C>T (p.Phe788=)

Gene: SMPD4 (sphingomyelin phosphodiesterase 4; minus strand). Cytogenetic location: 2q21.1.
Variant type: single nucleotide variant.
Coding change: c.2364C>T on transcript NM_017951.5 (MANE Select); coding-DNA position 2364, C replaced by T.
Protein change: p.Phe788=; no amino-acid change (phenylalanine 788 retained).
Molecular consequence: synonymous variant. On other transcripts: non-coding transcript variant (2).
Genome position (GRCh38, 1-based): chr2:130,152,675, G>A on the plus strand (C>T on the coding strand, the complement: SMPD4 is on the minus strand). VCF-style: chr2-130152675-G-A. GRCh37 (hg19) VCF-style: chr2-130910248-G-A.
Other names: c.2175C>T, p.Phe725= (NM_001171083.2); c.2394C>T, p.Phe798= (NM_017751.4).
Identifiers: ClinVar variation 3387958 (VCV003387958.16).
Genomic context (GRCh38, chr2:130,152,675, plus strand): 5'-ATAGCCCAGGGTGAGCAGCAGCGTGCATGGGAGGGGCCCGACGCAGAACAGAGAGGCCAC[G>A]AAGAAGGCCAGCAGCAGCGAGACCAGCGTCCGGTAACTGCCCAGGAAGCGCAGGCTGAGC-3'
Protein context (NP_060421.3, residues 778-798): RTLVSLLLAF[Phe788=]VASLFCVGPL